The following is an entry in ClinVar:

ClinVar aggregate classification (germline): Pathogenic/Likely pathogenic. Review status: criteria provided, multiple submitters, no conflicts (2 of 4 stars). 8 submissions from 8 submitters: Pathogenic (6); Likely pathogenic (2). Last evaluated 2025-03-26.

Conditions:
Cardiac arrhythmia. Also called: Cardiac rhythm disease; Arrhythmia. Identifiers: MedGen C0003811, MONDO:0007263, HP:0011675.
Cardiovascular phenotype. Identifiers: MedGen CN230736.
Long QT syndrome (LQTS). Identifiers: MedGen C0023976, MeSH D008133, MONDO:0002442. Disease mechanism: loss of function. Inheritance: Various modes of inheritance.
Long QT syndrome 1 (LQT1). Identifiers: Orphanet 101016, Orphanet 768, MedGen C4551647, MONDO:0100316, OMIM 192500, MONDO:0008646.

Allele frequency attached by ClinVar (database versions not stated): gnomAD exomes below 0.00001 and 0.00004; TOPMed below 0.00001; ExAC 0.00001.
gnomAD v4.1: 52 of 1,614,168 alleles (0.0032%); highest among the groups gnomAD compares: Non-Finnish European, 0.0044%; no homozygotes.

Submissions (8):

Labcorp Genetics (formerly Invitae), Labcorp
Classification: Pathogenic for Long QT syndrome. Last evaluated: 2025-03-26. Review status: criteria provided, single submitter. Criteria: Invitae Variant Classification Sherloc (09022015). Collection method: clinical testing. Allele origin: germline.
Comment: This sequence change affects an acceptor splice site in intron 10 of the KCNQ1 gene. It is expected to disrupt RNA splicing. Variants that disrupt the donor or acceptor splice site typically lead to a loss of protein function (PMID: 16199547), and loss-of-function variants in KCNQ1 are known to be pathogenic (PMID: 9323054, 19862833). This variant is present in population databases (rs775537394, gnomAD 0.0009%). Disruption of this splice site has been observed in individuals with long QT syndrome (PMID: 17905336, 23631430, 26318259; internal data). This variant is also known as IVS10-1G>T. ClinVar contains an entry for this variant (Variation ID: 200847). Algorithms developed to predict the effect of sequence changes on RNA splicing suggest that this variant may disrupt the consensus splice site. For these reasons, this variant has been classified as Pathogenic.

GeneDx
Classification: Pathogenic. Last evaluated: 2024-12-17. Review status: criteria provided, single submitter. Criteria: GeneDx Variant Classification Process June 2021. Collection method: clinical testing. Allele origin: germline. Affected: yes.
Comment: Reported in an individual diagnosed with severe LQTS who also harbored a frameshift variant in the KCNH2 gene (PMID: 17905336); Not observed at significant frequency in large population cohorts (gnomAD); Canonical splice site variant predicted to result in a null allele in a gene for which loss of function is a known mechanism of disease; This variant is associated with the following publications: (PMID: 25525159, 19862833, 9323054, 23631430, 26318259, 34135346, 34319147, 33087929, 17905336)

Victorian Clinical Genetics Services, Murdoch Childrens Research Institute
Classification: Likely pathogenic for Long QT syndrome 1. Last evaluated: 2024-10-08. Review status: criteria provided, single submitter. Criteria: ACMG Guidelines, 2015. Collection method: clinical testing. Allele origin: germline. Inheritance: Autosomal dominant inheritance.
Comment: Based on the classification scheme VCGS_Germline_v1.3.4, this variant is classified as Likely pathogenic. Following criteria are met: 0103 - Dominant negative, loss of function and gain of function are known mechanisms of disease in this gene. Gain of function variants result exclusively in short QT syndrome 2 (MIM#609621), while dominant negative and loss of function variants can cause long QT syndrome 1 (LQTS, MIM#192500), familial atrial fibrillation 3 (MIM#607554) as well as Jervell and Lange-Nielsen syndrome (JLNS, MIM#220400) (OMIM, PMIDs: 19632626, 28438721). (I) 0108 - This gene is known to be associated with both recessive and dominant disease. JLNS is characterised by congenital, bilateral deafness and variable degrees of QT prolongation, and is the only condition caused by biallelic variants (PMID: 28438721). (I) 0112 - The condition associated with this gene has incomplete penetrance (OMIM, PMID: 20301308). (I) 0211 - Canonical splice site variant without proven consequence on splicing (no functional evidence available). (SP) 0251 - This variant is heterozygous. (I) 0304 - Variant is present in gnomAD <0.01 (v2: 1 heterozygote, 0 homozygotes). (SP) 0505 - Abnormal splicing is predicted by in silico tools and affected nucleotide is highly conserved. (SP) 0703 - Other splice variants comparable to the one identified in this case have moderate previous evidence for pathogenicity. Two alternative canonical splice variants, c.1394-1G>C and c.1394-2A>G, have been reported as pathogenic in ClinVar. Additionally, the c.1394-2A>G variant has been reported as homozygous and heterozygous in related individuals with JLNS and LQTS-1, respectively (PMID: 30099333). (SP) 0801 - This variant has strong previous evidence of pathogenicity in unrelated individuals. It has also been reported in the literature in individuals with LQTS (PMIDs: 17905336, 26318259, 33029862). (SP) 1007 - No published functional evidence has been identified for this variant. (I) Legend: (SP) - Supporting pathogenic, (I) - Information, (SB) - Supporting benign

All of Us Research Program, National Institutes of Health
Classification: Pathogenic for Long QT syndrome. Last evaluated: 2024-09-27. Review status: criteria provided, single submitter. Criteria: ACMG Guidelines, 2015. Collection method: clinical testing. Allele origin: germline. Inheritance: Autosomal dominant inheritance. Observed: 4 variant alleles, 4 heterozygotes.
Comment: This variant causes a G to T nucleotide substitution at the -1 position of intron 10 (also known as IVS10-1G>T) of the KCNQ1 gene. Splice site prediction tools predict that this variant may have a significant impact on RNA splicing. Although this prediction has not been confirmed in published RNA studies, this variant is expected to result in an absent or disrupted protein product. This variant has been observed in multiple individuals affected with or suspected of having long QT syndrome (PMID: 17905336, 23631430, 26318259, 38489124, ClinVar SCV000280145.1, communication with external laboratories: SCV000752693.7, SCV000234493.16, SCV000738035.4). It has been reported that this variant segregates with disease in at least one of the families (communication with an external laboratory ClinVar SCV000234493.16). This variant has been identified in 1/251392 chromosomes in the general population by the Genome Aggregation Database (gnomAD). Loss of KCNQ1 function is a known mechanism of disease. Based on the available evidence, this variant is classified as Pathogenic.

This study involves interpretation of variants in research participants for the purpose of population health screening. Participant phenotype was not available at the time of variant classification. Additional details can be found in publication PMID: 35346344, PMCID: PMC8962531

Ambry Genetics
Classification: Pathogenic for Cardiovascular phenotype. Last evaluated: 2024-07-17. Review status: criteria provided, single submitter. Criteria: Ambry Variant Classification Scheme 2023. Collection method: clinical testing. Allele origin: germline.
Comment: The c.1394-1G>T intronic pathogenic mutation results from a G to T substitution one nucleotide before coding exon 11 of the KCNQ1 gene. This alteration (also referred to as IVS10-1G>T) has been detected in a subject with long QT syndrome (LQTS) who also carried a second frameshift alteration in KCNH2 (Chung SK et al. Heart Rhythm, 2007 Oct;4:1306-14). This alteration was also reported in additional LQTS cohorts; however, clinical details were limited (Lieve KV et al. Genet Test Mol Biomarkers, 2013 Jul;17:553-61; Ruwald MH et al. Heart Rhythm. 2016 Jan;13(1):122-31). This nucleotide position is highly conserved in available vertebrate species. In silico splice site analysis predicts that this alteration will weaken the native splice acceptor site and will result in the creation or strengthening of a novel splice acceptor site. Alterations that disrupt the canonical splice site are expected to cause aberrant splicing, resulting in an abnormal protein or a transcript that is subject to nonsense-mediated mRNA decay. As such, this alteration is classified as a disease-causing mutation.

Color Diagnostics, LLC DBA Color Health
Classification: Pathogenic for Cardiac arrhythmia. Last evaluated: 2024-05-30. Review status: criteria provided, single submitter. Criteria: ACMG Guidelines, 2015. Collection method: clinical testing. Allele origin: germline.
Comment: This variant causes a G to T nucleotide substitution at the -1 position of intron 10 (also known as IVS10-1G>T) of the KCNQ1 gene. Splice site prediction tools predict that this variant may have a significant impact on RNA splicing. Although this prediction has not been confirmed in published RNA studies, this variant is expected to result in an absent or disrupted protein product. This variant has been observed in multiple individuals affected with or suspected of having long QT syndrome (PMID: 17905336, 23631430, 26318259, 38489124, ClinVar SCV000280145.1, communication with external laboratories: SCV000752693.7, SCV000234493.16, SCV000738035.4). It has been reported that this variant segregates with disease in at least one of the families (communication with an external laboratory ClinVar SCV000234493.16). This variant has been identified in 1/251392 chromosomes in the general population by the Genome Aggregation Database (gnomAD). Loss of KCNQ1 function is a known mechanism of disease. Based on the available evidence, this variant is classified as Pathogenic.

Women's Health and Genetics/Laboratory Corporation of America, LabCorp
Classification: Pathogenic for Long QT syndrome. Last evaluated: 2017-09-01. Review status: criteria provided, single submitter. Criteria: LabCorp Variant Classification Summary - May 2015. Collection method: clinical testing. Allele origin: germline.
Comment: Variant summary: The KCNQ1 c.1394-1G>T variant involves the alteration of a conserved intronic nucleotide. One in silico tool predicts a damaging outcome for this variant. 3/5 splice prediction tools predict a significant impact on normal splicing. However, these predictions have yet to be confirmed by functional studies. The variant was found in the control population dataset of ExAC in 1/121208 control chromosomes at a frequency of 0.0000083, which does not exceed the estimated maximal expected allele frequency of a pathogenic KCNQ1 variant (0.0000833). This variant was reported in multiple patients with LQTS in the literature (Chung_2007, Lieve_2013, Ruwald_2016) and was stated as segregating with LQTS in a family (Stanford Center for Inherited Cardiovascular Disease). In addition, multiple clinical diagnostic laboratories/reputable databases classified this variant as pathogenic/likely pathogenic. Taken together, this variant is classified as pathogenic.

Stanford Center for Inherited Cardiovascular Disease, Stanford University
Classification: Likely pathogenic. Last evaluated: 2013-10-31. Review status: criteria provided, single submitter. Criteria: ACMG Guidelines, 2015. Collection method: provider interpretation. Allele origin: germline.

Literature cited by the submitters: PubMed 16199547 (cited by Labcorp Genetics (formerly Invitae), Labcorp); PubMed 9323054 (cited by Labcorp Genetics (formerly Invitae), Labcorp); PubMed 19862833 (cited by Labcorp Genetics (formerly Invitae), Labcorp); PubMed 17905336 (cited by 6 submitters); PubMed 23631430 (cited by 5 submitters); PubMed 26318259 (cited by 6 submitters); PubMed 19632626 (cited by Victorian Clinical Genetics Services, Murdoch Childrens Research Institute); PubMed 20301308 (cited by Victorian Clinical Genetics Services, Murdoch Childrens Research Institute); PubMed 28438721 (cited by Victorian Clinical Genetics Services, Murdoch Childrens Research Institute); PubMed 30099333 (cited by Victorian Clinical Genetics Services, Murdoch Childrens Research Institute); PubMed 33029862 (cited by Victorian Clinical Genetics Services, Murdoch Childrens Research Institute); PubMed 34135346 (cited by All of Us Research Program, National Institutes of Health and Color Diagnostics, LLC DBA Color Health); PubMed 38489124 (cited by All of Us Research Program, National Institutes of Health and Color Diagnostics, LLC DBA Color Health); PubMed 25525159 (cited by Women's Health and Genetics/Laboratory Corporation of America, LabCorp).

NM_000218.3(KCNQ1):c.1394-1G>T

Genes: KCNQ1 (potassium voltage-gated channel subfamily Q member 1; plus strand), KCNQ1OT1 (KCNQ1 opposite strand/antisense transcript 1; minus strand). Cytogenetic location: 11p15.5.
Variant type: single nucleotide variant.
Coding change: c.1394-1G>T on transcript NM_000218.3 (MANE Select); the canonical splice acceptor site of the intron before coding-DNA position 1394, G replaced by T.
Molecular consequence: splice acceptor variant.
Genome position (GRCh38, 1-based): chr11:2,661,960, G>T. VCF-style: chr11-2661960-G-T. GRCh37 (hg19) VCF-style: chr11-2683190-G-T.
Other names: c.1124-1G>T (NM_001406837.1); c.1298-1G>T (NM_001406836.1); c.854-1G>T (NM_001406838.1); c.1013-1G>T (NM_181798.2).
Identifiers: ClinVar variation 200847 (VCV000200847.34), dbSNP rs775537394, ClinGen allele CA005727.
Genomic context (GRCh38, chr11:2,661,960, plus strand): 5'-TCCACAGCACTGGCAGGTTGGGTGGGAGGCCTAACGTGCTGTCCCCACACTTTCTCCTCA[G>T]TAAGGAAGAGCCCAACACTGCTGGAAGTGAGCATGCCCCATTTCATGAGAACCAACAGCT-3'